The following is an entry in ClinVar:

NM_001089.3(ABCA3):c.2591G>A (p.Arg864His)

Gene: ABCA3 (ATP binding cassette subfamily A member 3; minus strand). Cytogenetic location: 16p13.3.
Variant type: single nucleotide variant.
Coding change: c.2591G>A on transcript NM_001089.3 (MANE Select); coding-DNA position 2591, G replaced by A.
Protein change: p.Arg864His; replaces arginine 864 with histidine.
Molecular consequence: missense variant.
Genome position (GRCh38, 1-based): chr16:2,289,543, C>T on the plus strand (G>A on the coding strand, the complement: ABCA3 is on the minus strand). VCF-style: chr16-2289543-C-T. GRCh37 (hg19) VCF-style: chr16-2339544-C-T.
Other names: short protein forms R864H.
Identifiers: ClinVar variation 2564304 (VCV002564304.2), dbSNP rs1401505478, ClinGen allele CA394325185.

ClinVar aggregate classification (germline): Uncertain significance (1 of 4 stars; one submission).

Conditions:
Hereditary pulmonary alveolar proteinosis. Also called: Pulmonary surfactant metabolism dysfunction. Identifiers: Orphanet 264675, MedGen C3711368, MONDO:0012580.

Allele frequency attached by ClinVar (database versions not stated): gnomAD exomes below 0.00001.
gnomAD v4.1: 5 of 1,571,082 alleles (0.00032%); highest among the groups gnomAD compares: South Asian, 0.0012%; no homozygotes.

Submission:

Ambry Genetics
Classification: Uncertain significance for Hereditary pulmonary alveolar proteinosis. Last evaluated: 2023-05-30. Review status: criteria provided, single submitter. Criteria: Ambry Variant Classification Scheme 2023. Collection method: clinical testing. Allele origin: germline.
Comment: The p.R864H variant (also known as c.2591G>A), located in coding exon 17 of the ABCA3 gene, results from a G to A substitution at nucleotide position 2591. The arginine at codon 864 is replaced by histidine, an amino acid with highly similar properties. This amino acid position is conserved. In addition, the in silico prediction for this alteration is inconclusive. Since supporting evidence is limited at this time, the clinical significance of this alteration remains unclear.